The following is an entry in ClinVar:

ClinVar aggregate classification (germline): Uncertain significance. Review status: criteria provided, multiple submitters, no conflicts (2 of 4 stars). 3 submissions from 3 submitters: Uncertain significance (3). Last evaluated 2025-09-24.

Conditions:
GATAD2B-related disorder. Also called: GATAD2B-related condition.

Allele frequency attached by ClinVar (database versions not stated): gnomAD exomes 0.00005 and 0.00006; ExAC 0.00006; ESP Exome Variant Server 0.00008; gnomAD 0.00012; TOPMed 0.00014; 1000 Genomes Project 30x 0.00016; 1000 Genomes Project 0.00020.
gnomAD v4.1: 93 of 1,569,264 alleles (0.0059%); highest among the groups gnomAD compares: Admixed American, 0.036%; no homozygotes.

Submissions (3):

Labcorp Genetics (formerly Invitae), Labcorp
Classification: Uncertain significance. Last evaluated: 2025-09-24. Review status: criteria provided, single submitter. Criteria: Invitae Variant Classification Sherloc (09022015). Collection method: clinical testing. Allele origin: germline.
Comment: This sequence change replaces asparagine, which is neutral and polar, with serine, which is neutral and polar, at codon 297 of the GATAD2B protein (p.Asn297Ser). This variant is present in population databases (rs189577384, gnomAD 0.008%). This variant has not been reported in the literature in individuals affected with GATAD2B-related conditions. ClinVar contains an entry for this variant (Variation ID: 1425383). Invitae Evidence Modeling of protein sequence and biophysical properties (such as structural, functional, and spatial information, amino acid conservation, physicochemical variation, residue mobility, and thermodynamic stability) indicates that this missense variant is not expected to disrupt GATAD2B protein function with a negative predictive value of 80%. In summary, the available evidence is currently insufficient to determine the role of this variant in disease. Therefore, it has been classified as a Variant of Uncertain Significance.

PreventionGenetics, part of Exact Sciences
Classification: Uncertain significance for GATAD2B-related condition. Last evaluated: 2025-08-18. Review status: criteria provided, single submitter. Criteria: ACMG Guidelines, 2015. Collection method: clinical testing. Allele origin: germline.
Comment: The GATAD2B c.890A>G variant is predicted to result in the amino acid substitution p.Asn297Ser. To our knowledge, this variant has not been reported in the literature. This variant is reported in 0.0077% of alleles in individuals of European (Non-Finnish) descent in gnomAD. Although we suspect that this variant may be benign, at this time, the clinical significance of this variant is uncertain due to the absence of conclusive functional and genetic evidence.

CeGaT Center for Human Genetics Tuebingen
Classification: Uncertain significance. Last evaluated: 2023-11-01. Review status: criteria provided, single submitter. Criteria: CeGaT Center For Human Genetics Tuebingen Variant Classification Criteria Version 2. Collection method: clinical testing. Allele origin: germline. Affected: yes. Observed: 1 variant allele.
Comment: GATAD2B: PM2, BP4

NM_020699.4(GATAD2B):c.890A>G (p.Asn297Ser)

Gene: GATAD2B (GATA zinc finger domain containing 2B; minus strand). Cytogenetic location: 1q21.3.
Variant type: single nucleotide variant.
Coding change: c.890A>G on transcript NM_020699.4 (MANE Select); coding-DNA position 890, A replaced by G.
Protein change: p.Asn297Ser; replaces asparagine 297 with serine.
Molecular consequence: missense variant.
Genome position (GRCh38, 1-based): chr1:153,817,382, T>C on the plus strand (A>G on the coding strand, the complement: GATAD2B is on the minus strand). VCF-style: chr1-153817382-T-C. GRCh37 (hg19) VCF-style: chr1-153789858-T-C.
Other names: c.890A>G (NM_020699.3); short protein forms N297S.
Identifiers: ClinVar variation 1425383 (VCV001425383.29), dbSNP rs189577384, ClinGen allele CA1120752.